The following is an entry in ClinVar:

ClinVar aggregate classification (germline): Likely benign (0 of 4 stars; one submission).

Conditions:
TBC1D7-related disorder. Also called: TBC1D7-related condition.

Allele frequency attached by ClinVar (database versions not stated): gnomAD 0.00001; TOPMed 0.00001; gnomAD exomes 0.00002.
gnomAD v4.1: 12 of 1,612,464 alleles (0.00074%); highest among the groups gnomAD compares: Middle Eastern, 0.016%; no homozygotes.

Submission:

PreventionGenetics, part of Exact Sciences
Classification: Likely benign for TBC1D7-related condition. Last evaluated: 2019-03-25. Review status: no assertion criteria provided. Collection method: clinical testing. Allele origin: germline.
Comment: This variant is classified as likely benign based on ACMG/AMP sequence variant interpretation guidelines (Richards et al. 2015 PMID: 25741868, with internal and published modifications).

NM_016495.6(TBC1D7):c.381+12C>G

Genes: TBC1D7 (TBC1 domain family member 7; minus strand), TBC1D7-LOC100130357 (TBC1D7-LOC100130357 readthrough; minus strand). Cytogenetic location: 6p24.1.
Variant type: single nucleotide variant.
Coding change: c.381+12C>G on transcript NM_016495.6 (MANE Select); 12 bases into the intron after coding-DNA position 381, C replaced by G.
Molecular consequence: intron variant. On other transcripts: missense variant (1).
Genome position (GRCh38, 1-based): chr6:13,320,896, G>C on the plus strand (C>G on the coding strand, the complement: TBC1D7 is on the minus strand). VCF-style: chr6-13320896-G-C. GRCh37 (hg19) VCF-style: chr6-13321128-G-C.
Other names: c.312C>G, p.His104Gln (NM_001318806.2); c.381+12C>G (NM_001318809.2, NM_001258457.3, NM_001143965.4 and 2 more transcripts); c.300+12C>G (NM_001143966.4); short protein forms H104Q.
Identifiers: ClinVar variation 3058164 (VCV003058164.2), dbSNP rs1290856839, ClinGen allele CA362783526.